The following is an entry in ClinVar:

NM_001174147.2(LMX1B):c.432C>T (p.Cys144=)

Gene: LMX1B (LIM homeobox transcription factor 1 beta; plus strand). Cytogenetic location: 9q33.3.
Variant type: single nucleotide variant.
Coding change: c.432C>T on transcript NM_001174147.2 (MANE Select); coding-DNA position 432, C replaced by T.
Protein change: p.Cys144=; no amino-acid change (cysteine 144 retained).
Molecular consequence: synonymous variant.
Genome position (GRCh38, 1-based): chr9:126,690,941, C>T. VCF-style: chr9-126690941-C-T. GRCh37 (hg19) VCF-style: chr9-129453220-C-T.
Other names: c.432C>T, p.Cys144= (NM_001174146.2, NM_002316.4).
Identifiers: ClinVar variation 258624 (VCV000258624.17), dbSNP rs375657880, ClinGen allele CA5242309.

ClinVar aggregate classification (germline): Benign/Likely benign. Review status: criteria provided, multiple submitters, no conflicts (2 of 4 stars). 5 submissions from 5 submitters: Benign (3); Likely benign (2). Last evaluated 2025-06-12.

Conditions:
Nail-patella syndrome (NPS). Also called: FONG DISEASE; ONYCHOOSTEODYSPLASIA; TURNER-KIESER SYNDROME. Identifiers: Orphanet 2614, MedGen C0027341, MONDO:0008061, OMIM 161200.
Nail-patella-like renal disease. Also called: GLOMERULAR BASEMENT MEMBRANE DISEASE, NAIL-PATELLA SYNDROME TYPE; Focal Segmental Glomerulosclerosis 10. Identifiers: Orphanet 2613, MedGen C0403548, MONDO:0009724, OMIM 256020.
Focal segmental glomerulosclerosis (FSGS). Also called: Glomerulosclerosis, focal; Focal sclerosis with hyalinosis. Identifiers: MedGen C0017668, MONDO:0100313, HP:0000097. Disease mechanism: loss of function.

Allele frequency attached by ClinVar (database versions not stated): gnomAD 0.00001 and 0.00006; TOPMed 0.00004; ExAC 0.00018; 1000 Genomes Project 30x 0.00031; 1000 Genomes Project 0.00040.
gnomAD v4.1: 118 of 1,614,056 alleles (0.0073%); highest among the groups gnomAD compares: South Asian, 0.11%; 1 homozygote.

Submissions (5):

Labcorp Genetics (formerly Invitae), Labcorp
Classification: Benign. Last evaluated: 2025-06-12. Review status: criteria provided, single submitter. Criteria: Invitae Variant Classification Sherloc (09022015). Collection method: clinical testing. Allele origin: germline.

Fulgent Genetics
Classification: Likely benign for Nail-patella syndrome; Nail-patella-like renal disease. Last evaluated: 2021-07-06. Review status: criteria provided, single submitter. Criteria: ACMG Guidelines, 2015. Collection method: clinical testing. Allele origin: unknown.

Genome Diagnostics Laboratory, The Hospital for Sick Children
Classification: Benign for Focal segmental glomerulosclerosis. Last evaluated: 2021-05-14. Review status: criteria provided, single submitter. Criteria: ACMG Guidelines, 2015. Collection method: clinical testing. Allele origin: germline.

Illumina Laboratory Services, Illumina
Classification: Benign for Nail-patella syndrome. Last evaluated: 2018-01-12. Review status: criteria provided, single submitter. Criteria: ICSL Variant Classification Criteria 13 December 2019. Collection method: clinical testing. Allele origin: germline.
Comment: This variant was observed in the ICSL laboratory as part of a predisposition screen in an ostensibly healthy population. It had not been previously curated by ICSL or reported in the Human Gene Mutation Database (HGMD: prior to June 1st, 2018), and was therefore a candidate for classification through an automated scoring system. Utilizing variant allele frequency, disease prevalence and penetrance estimates, and inheritance mode, an automated score was calculated to assess if this variant is too frequent to cause the disease. Based on the score and internal cut-off values, a variant classified as benign is not then subjected to further curation. The score for this variant resulted in a classification of benign for this disease.

PreventionGenetics, part of Exact Sciences
Classification: Likely benign. Review status: criteria provided, single submitter. Criteria: ACMG Guidelines, 2015. Collection method: clinical testing. Allele origin: germline.